The following is an entry in ClinVar:

NM_001378454.1(ALMS1):c.10385-5T>C

Gene: ALMS1 (ALMS1 centrosome and basal body associated protein; plus strand). Cytogenetic location: 2p13.1.
Variant type: single nucleotide variant.
Coding change: c.10385-5T>C on transcript NM_001378454.1 (MANE Select); 5 bases into the intron before coding-DNA position 10385, T replaced by C.
Molecular consequence: intron variant.
Genome position (GRCh38, 1-based): chr2:73,572,257, T>C. VCF-style: chr2-73572257-T-C. GRCh37 (hg19) VCF-style: chr2-73799384-T-C.
Other names: c.10385-5T>C (NM_015120.4); c.10388-5T>C (NM_015120.4).
Identifiers: ClinVar variation 1554460 (VCV001554460.10), dbSNP rs1345014390, ClinGen allele CA534124484.

ClinVar aggregate classification (germline): Conflicting classifications of pathogenicity. Review status: criteria provided, conflicting classifications (1 of 4 stars). 2 submissions from 2 submitters: Uncertain significance (1); Likely benign (1). Last evaluated 2024-03-28.

Conditions:
Alstrom syndrome (ALMS). Identifiers: Orphanet 64, MedGen C0268425, MONDO:0008763, OMIM 203800.
Cardiovascular phenotype. Identifiers: MedGen CN230736.

Allele frequency attached by ClinVar (database versions not stated): gnomAD exomes below 0.00001; gnomAD 0.00001.
gnomAD v4.1: 2 of 1,603,412 alleles (0.00012%); highest among the groups gnomAD compares: Admixed American, 0.0017%; no homozygotes.

Submissions (2):

Ambry Genetics
Classification: Uncertain significance for Cardiovascular phenotype. Last evaluated: 2024-03-28. Review status: criteria provided, single submitter. Criteria: Ambry Variant Classification Scheme 2023. Collection method: clinical testing. Allele origin: germline.
Comment: The c.10388-5T>C intronic variant results from a T to C substitution 5 nucleotides upstream from coding exon 16 in the ALMS1 gene. This nucleotide position is well conserved in available vertebrate species. In silico splice site analysis predicts that this alteration will not have any significant effect on splicing. Based on the available evidence, the clinical significance of this alteration remains unclear.

Labcorp Genetics (formerly Invitae), Labcorp
Classification: Likely benign for Alstrom syndrome. Last evaluated: 2024-01-11. Review status: criteria provided, single submitter. Criteria: Invitae Variant Classification Sherloc (09022015). Collection method: clinical testing. Allele origin: germline.